The following is an entry in ClinVar:

NC_000005.9:g.(?_112043009)_(112090742_?)del

Gene: APC (APC regulator of Wnt signaling pathway; plus strand). Cytogenetic location: 5q22.2.
Variant type: Deletion.
Identifiers: ClinVar variation 2422170 (VCV002422170.4).

ClinVar aggregate classification (germline): Pathogenic (1 of 4 stars; one submission).

Conditions:
Familial adenomatous polyposis 1 (FAP1). Also called: FAMILIAL ADENOMATOUS POLYPOSIS 1, ATTENUATED; POLYPOSIS, ADENOMATOUS INTESTINAL. Identifiers: MedGen C2713442, MONDO:0021056, OMIM 175100. Disease mechanism: loss of function.

Submission:

Labcorp Genetics (formerly Invitae), Labcorp
Classification: Pathogenic for Familial adenomatous polyposis 1. Last evaluated: 2022-05-15. Review status: criteria provided, single submitter. Criteria: Invitae Variant Classification Sherloc (09022015). Collection method: clinical testing. Allele origin: germline.
Comment: This variant is a gross deletion of the genomic region encompassing exon(s) 1-2 of the APC gene, which includes the initiator codon. This deletion extends beyond the assayed region for this gene and therefore may encompass additional genes. It is expected to result in an absent or disrupted protein product. Loss-of-function variants in APC are known to be pathogenic (PMID: 17963004, 20685668). This variant has not been reported in the literature in individuals affected with APC-related conditions. For these reasons, this variant has been classified as Pathogenic.

Literature cited by the submitters: PubMed 17963004; PubMed 20685668.